The following is an entry in ClinVar:

NM_005585.5(SMAD6):c.785A>G (p.Asn262Ser)

Gene: SMAD6 (SMAD family member 6; plus strand). Cytogenetic location: 15q22.31.
Variant type: single nucleotide variant.
Coding change: c.785A>G on transcript NM_005585.5 (MANE Select); coding-DNA position 785, A replaced by G.
Protein change: p.Asn262Ser; replaces asparagine 262 with serine.
Molecular consequence: missense variant. On other transcripts: non-coding transcript variant (1).
Genome position (GRCh38, 1-based): chr15:66,704,043, A>G. VCF-style: chr15-66704043-A-G. GRCh37 (hg19) VCF-style: chr15-66996381-A-G.
Other names: short protein forms N262S.
Identifiers: ClinVar variation 3715839 (VCV003715839.2).

ClinVar aggregate classification (germline): Uncertain significance (1 of 4 stars; one submission).

Conditions:
Aortic valve disease 2 (AOVD2). Identifiers: MedGen C3542024, MONDO:0013902, OMIM 614823.

gnomAD v4.1: 8 of 1,508,704 alleles (0.00053%); highest among the groups gnomAD compares: Admixed American, 0.0041%; no homozygotes.

Submission:

Labcorp Genetics (formerly Invitae), Labcorp
Classification: Uncertain significance for Aortic valve disease 2. Last evaluated: 2024-07-08. Review status: criteria provided, single submitter. Criteria: Invitae Variant Classification Sherloc (09022015). Collection method: clinical testing. Allele origin: germline.
Comment: This sequence change replaces asparagine, which is neutral and polar, with serine, which is neutral and polar, at codon 262 of the SMAD6 protein (p.Asn262Ser). The frequency data for this variant in the population databases is considered unreliable, as metrics indicate poor data quality at this position in the gnomAD database. This variant has not been reported in the literature in individuals affected with SMAD6-related conditions. Advanced modeling of protein sequence and biophysical properties (such as structural, functional, and spatial information, amino acid conservation, physicochemical variation, residue mobility, and thermodynamic stability) performed at Invitae indicates that this missense variant is expected to disrupt SMAD6 protein function with a positive predictive value of 80%. In summary, the available evidence is currently insufficient to determine the role of this variant in disease. Therefore, it has been classified as a Variant of Uncertain Significance.